The following is an entry in ClinVar:

NM_032776.3(JMJD1C):c.3418A>G (p.Ile1140Val)

Gene: JMJD1C (jumonji domain containing 1C; minus strand). Cytogenetic location: 10q21.3.
Variant type: single nucleotide variant.
Coding change: c.3418A>G on transcript NM_032776.3 (MANE Select); coding-DNA position 3418, A replaced by G.
Protein change: p.Ile1140Val; replaces isoleucine 1140 with valine.
Molecular consequence: missense variant. On other transcripts: non-coding transcript variant (1).
Genome position (GRCh38, 1-based): chr10:63,208,251, T>C on the plus strand (A>G on the coding strand, the complement: JMJD1C is on the minus strand). VCF-style: chr10-63208251-T-C. GRCh37 (hg19) VCF-style: chr10-64968011-T-C.
Other names: c.2872A>G, p.Ile958Val (NM_001282948.2, NM_001318154.2); c.2554A>G, p.Ile852Val (NM_001318153.2); c.3304A>G, p.Ile1102Val (NM_001322252.2); c.2761A>G, p.Ile921Val (NM_001322254.2, NM_001322258.2); short protein forms I1140V, I921V, I1102V, I852V, I958V.
Identifiers: ClinVar variation 577583 (VCV000577583.10), dbSNP rs766621656, ClinGen allele CA5518434.

ClinVar aggregate classification (germline): Uncertain significance (1 of 4 stars; one submission).

Conditions:
Early Myoclonic Encephalopathy. Identifiers: MedGen C0270855.

Allele frequency attached by ClinVar (database versions not stated): gnomAD exomes 0.00002 and 0.00001; TOPMed 0.00003; gnomAD 0.00005 and 0.00004; ExAC 0.00001.
gnomAD v4.1: 37 of 1,613,962 alleles (0.0023%); highest among the groups gnomAD compares: African/African-American, 0.0053%; no homozygotes.

Submission:

Labcorp Genetics (formerly Invitae), Labcorp
Classification: Uncertain significance for Early Myoclonic Encephalopathy. Last evaluated: 2024-04-25. Review status: criteria provided, single submitter. Criteria: Invitae Variant Classification Sherloc (09022015). Collection method: clinical testing. Allele origin: germline.
Comment: This sequence change replaces isoleucine, which is neutral and non-polar, with valine, which is neutral and non-polar, at codon 1140 of the JMJD1C protein (p.Ile1140Val). This variant is present in population databases (rs766621656, gnomAD 0.008%). This variant has not been reported in the literature in individuals affected with JMJD1C-related conditions. ClinVar contains an entry for this variant (Variation ID: 577583). Advanced modeling of protein sequence and biophysical properties (such as structural, functional, and spatial information, amino acid conservation, physicochemical variation, residue mobility, and thermodynamic stability) performed at Invitae indicates that this missense variant is not expected to disrupt JMJD1C protein function with a negative predictive value of 80%. In summary, the available evidence is currently insufficient to determine the role of this variant in disease. Therefore, it has been classified as a Variant of Uncertain Significance.